The following is an entry in ClinVar:

NM_022124.6(CDH23):c.1961C>A (p.Thr654Asn)

Gene: CDH23 (cadherin related 23; plus strand). Cytogenetic location: 10q22.1.
Variant type: single nucleotide variant.
Coding change: c.1961C>A on transcript NM_022124.6 (MANE Select); coding-DNA position 1961, C replaced by A.
Protein change: p.Thr654Asn; replaces threonine 654 with asparagine.
Molecular consequence: missense variant.
Genome position (GRCh38, 1-based): chr10:71,682,547, C>A. VCF-style: chr10-71682547-C-A. GRCh37 (hg19) VCF-style: chr10-73442304-C-A.
Other names: c.1961C>A, p.Thr654Asn (NM_001171930.2, NM_001171931.2); short protein forms T654N.
Identifiers: ClinVar variation 1447220 (VCV001447220.5), dbSNP rs1328514310, ClinGen allele CA377132738.
Genomic context (GRCh38, chr10:71,682,547, plus strand): 5'-ATGGGCTGATTTATCTGACGGTCATGGCCATGGATGCTGGCAACCCCCCTCTCAACAGCA[C>A]CGTCCCTGTCACCATCGAGGTGTTTGTAAGTACCCAGGGCCACTGGCCTTGCCCTGCTAG-3'
Protein context (NP_071407.4, residues 644-664): MDAGNPPLNS[Thr654Asn]VPVTIEVFDE

ClinVar aggregate classification (germline): Uncertain significance (1 of 4 stars; one submission).

gnomAD v4.1: 1 of 1,613,620 alleles (0.000062%); no homozygotes.

Submission:

Labcorp Genetics (formerly Invitae), Labcorp
Classification: Uncertain significance. Last evaluated: 2022-06-27. Review status: criteria provided, single submitter. Criteria: Invitae Variant Classification Sherloc (09022015). Collection method: clinical testing. Allele origin: germline.
Comment: This sequence change replaces threonine, which is neutral and polar, with asparagine, which is neutral and polar, at codon 654 of the CDH23 protein (p.Thr654Asn). This variant is not present in population databases (gnomAD no frequency). This variant has not been reported in the literature in individuals affected with CDH23-related conditions. Algorithms developed to predict the effect of missense changes on protein structure and function are either unavailable or do not agree on the potential impact of this missense change (SIFT: "Deleterious"; PolyPhen-2: "Not Available"; Align-GVGD: "Class C55"). In summary, the available evidence is currently insufficient to determine the role of this variant in disease. Therefore, it has been classified as a Variant of Uncertain Significance.